The following is an entry in ClinVar:

NM_022168.4(IFIH1):c.485C>A (p.Ser162Ter)

Gene: IFIH1 (interferon induced with helicase C domain 1; minus strand). Cytogenetic location: 2q24.2.
Variant type: single nucleotide variant.
Coding change: c.485C>A on transcript NM_022168.4 (MANE Select); coding-DNA position 485, C replaced by A.
Protein change: p.Ser162Ter; replaces serine 162 with a stop codon.
Molecular consequence: nonsense.
Genome position (GRCh38, 1-based): chr2:162,310,902, G>T on the plus strand (C>A on the coding strand, the complement: IFIH1 is on the minus strand). VCF-style: chr2-162310902-G-T. GRCh37 (hg19) VCF-style: chr2-163167412-G-T.
Other names: short protein forms S162*.
Identifiers: ClinVar variation 1508411 (VCV001508411.6), dbSNP rs1455983191, ClinGen allele CA349011734.

ClinVar aggregate classification (germline): Uncertain significance (1 of 4 stars; one submission).

Conditions:
Singleton-Merten syndrome 1 (SGMRT1). Also called: Widened medullary cavities of bone, aortic calcification, abnormal dentition, and muscular weakness; Syndrome of widened medullary cavities of the metacarpals and phalanges, aortic calcification and abnormal dentition. Identifiers: Orphanet 85191, MedGen C4225427, MONDO:0024535, OMIM 182250.
Aicardi-Goutieres syndrome 7 (AGS7). Identifiers: Orphanet 51, MedGen C3888244, MONDO:0014367, OMIM 615846.

Allele frequency attached by ClinVar (database versions not stated): gnomAD exomes below 0.00001; gnomAD 0.00001.
gnomAD v4.1: 2 of 1,613,092 alleles (0.00012%); highest among the groups gnomAD compares: African/African-American, 0.0027%; no homozygotes.

Submission:

Labcorp Genetics (formerly Invitae), Labcorp
Classification: Uncertain significance for Aicardi-Goutieres syndrome 7; Singleton-Merten syndrome 1. Last evaluated: 2022-11-29. Review status: criteria provided, single submitter. Criteria: Invitae Variant Classification Sherloc (09022015). Collection method: clinical testing. Allele origin: germline.
Comment: This sequence change creates a premature translational stop signal (p.Ser162*) in the IFIH1 gene. It is expected to result in an absent or disrupted protein product. However, the current clinical and genetic evidence is not sufficient to establish whether loss-of-function variants in IFIH1 cause disease. In summary, the available evidence is currently insufficient to determine the role of this variant in disease. Therefore, it has been classified as a Variant of Uncertain Significance. ClinVar contains an entry for this variant (Variation ID: 1508411). This variant has not been reported in the literature in individuals affected with IFIH1-related conditions. This variant is present in population databases (no rsID available, gnomAD 0.008%).